The following is an entry in ClinVar:

NM_004371.4(COPA):c.2263+4A>G

Gene: COPA (coat protein complex I subunit alpha; minus strand). Cytogenetic location: 1q23.2.
Variant type: single nucleotide variant.
Coding change: c.2263+4A>G on transcript NM_004371.4 (MANE Select); 4 bases into the intron after coding-DNA position 2263, A replaced by G.
Molecular consequence: intron variant.
Genome position (GRCh38, 1-based): chr1:160,297,339, T>C on the plus strand (A>G on the coding strand, the complement: COPA is on the minus strand). VCF-style: chr1-160297339-T-C. GRCh37 (hg19) VCF-style: chr1-160267129-T-C.
Other names: c.2290+4A>G (NM_001098398.2).
Identifiers: ClinVar variation 948273 (VCV000948273.7), dbSNP rs774007795, ClinGen allele CA1197940.

ClinVar aggregate classification (germline): Uncertain significance (1 of 4 stars; one submission).

Conditions:
Autoimmune interstitial lung disease-arthritis syndrome. Also called: Autoinflammation and autoimmunity, systemic, with immune dysregulation. Identifiers: Orphanet 444092, MedGen C5975714, MONDO:0014629.

Allele frequency attached by ClinVar (database versions not stated): gnomAD exomes below 0.00001 and 0.00001; ExAC 0.00001.
gnomAD v4.1: 7 of 1,613,862 alleles (0.00043%); highest among the groups gnomAD compares: Non-Finnish European, 0.00059%; no homozygotes.

Submission:

Labcorp Genetics (formerly Invitae), Labcorp
Classification: Uncertain significance for Autoimmune interstitial lung disease-arthritis syndrome. Last evaluated: 2023-11-02. Review status: criteria provided, single submitter. Criteria: Invitae Variant Classification Sherloc (09022015). Collection method: clinical testing. Allele origin: germline.
Comment: This sequence change falls in intron 21 of the COPA gene. It does not directly change the encoded amino acid sequence of the COPA protein. It affects a nucleotide within the consensus splice site. This variant is present in population databases (rs774007795, gnomAD 0.0009%). This variant has not been reported in the literature in individuals affected with COPA-related conditions. ClinVar contains an entry for this variant (Variation ID: 948273). Variants that disrupt the consensus splice site are a relatively common cause of aberrant splicing (PMID: 17576681, 9536098). Algorithms developed to predict the effect of sequence changes on RNA splicing suggest that this variant is not likely to affect RNA splicing. In summary, the available evidence is currently insufficient to determine the role of this variant in disease. Therefore, it has been classified as a Variant of Uncertain Significance.

Literature cited by the submitters: PubMed 17576681; PubMed 9536098.